The following is an entry in ClinVar:

NM_004380.3(CREBBP):c.6433A>T (p.Met2145Leu)

Gene: CREBBP (CREB binding lysine acetyltransferase; minus strand). Cytogenetic location: 16p13.3.
Variant type: single nucleotide variant.
Coding change: c.6433A>T on transcript NM_004380.3 (MANE Select); coding-DNA position 6433, A replaced by T.
Protein change: p.Met2145Leu; replaces methionine 2145 with leucine.
Molecular consequence: missense variant.
Genome position (GRCh38, 1-based): chr16:3,728,614, T>A on the plus strand (A>T on the coding strand, the complement: CREBBP is on the minus strand). VCF-style: chr16-3728614-T-A. GRCh37 (hg19) VCF-style: chr16-3778615-T-A.
Other names: c.6433A>T (NM_004380.2); c.6319A>T, p.Met2107Leu (NM_001079846.1); short protein forms M2145L, M2107L.
Identifiers: ClinVar variation 1928263 (VCV001928263.7), dbSNP rs758386187, ClinGen allele CA394552750.
Genomic context (GRCh38, chr16:3,728,614, plus strand): 5'-TCAGGCCTCCCATCGCCTGCTGCTGTGGAGGCACACCGGGCCGCGGCACGCCAGCCTGCA[T>A]GGCATTCAGGTTCTGCAGGCTGGGCTGCTGGTGCATGCCAGGCTGGGGTTGCATGCCGGG-3'
Protein context (NP_004371.2, residues 2135-2155): QQPSLQNLNA[Met2145Leu]QAGVPRPGVP

ClinVar aggregate classification (germline): Likely benign. Review status: criteria provided, single submitter (1 of 4 stars). 2 submissions from 2 submitters: Likely benign (1). 1 of the submissions does not count toward it. Last evaluated 2025-06-30.

Conditions:
Rubinstein-Taybi syndrome (RSTS). Identifiers: Orphanet 783, MedGen C0035934, MONDO:0019188.
CREBBP-related disorder. Also called: CREBBP-related disorders; CREBBP-related condition.

gnomAD v4.1: 10 of 1,613,742 alleles (0.00062%); highest among the groups gnomAD compares: Middle Eastern, 0.016%; no homozygotes.

Submissions (2):

Labcorp Genetics (formerly Invitae), Labcorp
Classification: Likely benign for Rubinstein-Taybi syndrome. Last evaluated: 2025-06-30. Review status: criteria provided, single submitter. Criteria: Invitae Variant Classification Sherloc (09022015). Collection method: clinical testing. Allele origin: germline.

PreventionGenetics, part of Exact Sciences
Classification: Uncertain significance for CREBBP-related condition. Last evaluated: 2023-10-20. Review status: no assertion criteria provided. Collection method: clinical testing. Allele origin: germline. Not counted in ClinVar's aggregate classification.
Comment: The CREBBP c.6433A>T variant is predicted to result in the amino acid substitution p.Met2145Leu. To our knowledge, this variant has not been reported in the literature. This variant is reported in 0.00091% of alleles in individuals of European (Non-Finnish) descent in gnomAD. At this time, the clinical significance of this variant is uncertain due to the absence of conclusive functional and genetic evidence.